The following is an entry in ClinVar:

ClinVar aggregate classification (germline): Uncertain significance (1 of 4 stars; one submission).

Conditions:
Dyskeratosis congenita. Identifiers: Orphanet 1775, MedGen C0265965, MONDO:0015780.

gnomAD v4.1: 6 of 1,614,070 alleles (0.00037%); highest among the groups gnomAD compares: Non-Finnish European, 0.00051%; no homozygotes.

Submission:

Labcorp Genetics (formerly Invitae), Labcorp
Classification: Uncertain significance for Dyskeratosis congenita. Last evaluated: 2025-08-20. Review status: criteria provided, single submitter. Criteria: Invitae Variant Classification Sherloc (09022015). Collection method: clinical testing. Allele origin: germline.
Comment: This sequence change replaces cysteine, which is neutral and slightly polar, with phenylalanine, which is neutral and non-polar, at codon 620 of the CTC1 protein (p.Cys620Phe). This variant is present in population databases (rs766985115, gnomAD 0.002%). This variant has not been reported in the literature in individuals affected with CTC1-related conditions. ClinVar contains an entry for this variant (Variation ID: 2203122). Invitae Evidence Modeling of protein sequence and biophysical properties (such as structural, functional, and spatial information, amino acid conservation, physicochemical variation, residue mobility, and thermodynamic stability) indicates that this missense variant is not expected to disrupt CTC1 protein function with a negative predictive value of 80%. In summary, the available evidence is currently insufficient to determine the role of this variant in disease. Therefore, it has been classified as a Variant of Uncertain Significance.

NM_025099.6(CTC1):c.1859G>T (p.Cys620Phe)

Gene: CTC1 (CST telomere replication complex component 1; minus strand). Cytogenetic location: 17p13.1.
Variant type: single nucleotide variant.
Coding change: c.1859G>T on transcript NM_025099.6 (MANE Select); coding-DNA position 1859, G replaced by T.
Protein change: p.Cys620Phe; replaces cysteine 620 with phenylalanine.
Molecular consequence: missense variant. On other transcripts: non-coding transcript variant (1).
Genome position (GRCh38, 1-based): chr17:8,232,992, C>A on the plus strand (G>T on the coding strand, the complement: CTC1 is on the minus strand). VCF-style: chr17-8232992-C-A. GRCh37 (hg19) VCF-style: chr17-8136310-C-A.
Other names: c.1859G>T, p.Cys620Phe (NM_001411067.1); short protein forms C620F.
Identifiers: ClinVar variation 2203122 (VCV002203122.3), dbSNP rs766985115, ClinGen allele CA8372244.